The following is an entry in ClinVar:

NM_000243.3(MEFV):c.941G>A (p.Arg314His)

Gene: MEFV (MEFV innate immunity regulator, pyrin; minus strand). Cytogenetic location: 16p13.3.
Variant type: single nucleotide variant.
Coding change: c.941G>A on transcript NM_000243.3 (MANE Select); coding-DNA position 941, G replaced by A.
Protein change: p.Arg314His; replaces arginine 314 with histidine.
Molecular consequence: missense variant.
Genome position (GRCh38, 1-based): chr16:3,249,750, C>T on the plus strand (G>A on the coding strand, the complement: MEFV is on the minus strand). VCF-style: chr16-3249750-C-T. GRCh37 (hg19) VCF-style: chr16-3299750-C-T.
Other names: c.308G>A, p.Arg103His (NM_001198536.2); short protein forms R314H, R103H.
Identifiers: ClinVar variation 36514 (VCV000036514.12), dbSNP rs104895204, ClinGen allele CA280283.
Genomic context (GRCh38, chr16:3,249,750, plus strand): 5'-AAGCTGCAGGAATCACGCACACAGGTACCGTCAACTGGGTCTCCTTCCTGGGCGTGGCAG[C>T]GGGGACTCGCAGCCGTGTCTGGTGGCCTTCCTGGGGACATGCAGTGGAAAAACCCCCTGA-3'
Protein context (NP_000234.1, residues 304-324): GRPPDTAASP[Arg314His]CHAQEGDPVD

ClinVar aggregate classification (germline): Conflicting classifications of pathogenicity. Review status: criteria provided, conflicting classifications (1 of 4 stars). 10 submissions from 8 submitters: Uncertain significance (5); Likely benign (2). 3 of the submissions do not count toward it. Last evaluated 2024-06-11.

Conditions:
Acute febrile neutrophilic dermatosis (AFND). Also called: Sweet Syndrome; Gomm Button disease. Identifiers: Orphanet 3243, MedGen C0085077, MONDO:0011959, OMIM 608068.
Familial Mediterranean fever (FMF). Also called: Periodic peritonitis; Benign paroxysmal peritonitis; POLYSEROSITIS, FAMILIAL PAROXYSMAL; POLYSEROSITIS, RECURRENT. Identifiers: Orphanet 342, MedGen C0031069, MONDO:0018088, OMIM 249100. Disease mechanism: gain of function.
Familial Mediterranean fever, autosomal dominant. Also called: FMF, AUTOSOMAL DOMINANT; Dominant Familial Mediterranean Fever. Identifiers: Orphanet 342, MedGen C1851347, MONDO:0007601, OMIM 134610.

Allele frequency attached by ClinVar (database versions not stated): gnomAD 0.00004 and 0.00005; TOPMed 0.00006; gnomAD exomes 0.00009 and 0.00011; ESP Exome Variant Server 0.00008; ExAC 0.00014.

Submissions (10):

Fulgent Genetics
Classification: Uncertain significance for Familial Mediterranean fever, autosomal dominant; Familial Mediterranean fever; Acute febrile neutrophilic dermatosis. Last evaluated: 2024-06-11. Review status: criteria provided, single submitter. Criteria: ACMG Guidelines, 2015. Collection method: clinical testing. Allele origin: germline.

Genome-Nilou Lab
Classification: Uncertain significance for Familial Mediterranean fever. Last evaluated: 2023-02-08. Review status: criteria provided, single submitter. Criteria: ACMG Guidelines, 2015. Collection method: clinical testing. Allele origin: germline.

Genome-Nilou Lab
Classification: Likely benign for Familial Mediterranean fever, autosomal dominant. Last evaluated: 2023-02-08. Review status: criteria provided, single submitter. Criteria: ACMG Guidelines, 2015. Collection method: clinical testing. Allele origin: germline.

Genome-Nilou Lab
Classification: Likely benign for Acute febrile neutrophilic dermatosis. Last evaluated: 2023-02-08. Review status: criteria provided, single submitter. Criteria: ACMG Guidelines, 2015. Collection method: clinical testing. Allele origin: germline.

Mayo Clinic Laboratories, Mayo Clinic
Classification: Uncertain significance. Last evaluated: 2023-01-18. Review status: criteria provided, single submitter. Criteria: ACMG Guidelines, 2015. Collection method: clinical testing. Allele origin: germline. Observed: 1 variant allele.
Comment: BP4

Labcorp Genetics (formerly Invitae), Labcorp
Classification: Uncertain significance for Familial Mediterranean fever. Last evaluated: 2022-09-13. Review status: criteria provided, single submitter. Criteria: Invitae Variant Classification Sherloc (09022015). Collection method: clinical testing. Allele origin: germline.
Comment: This sequence change replaces arginine, which is basic and polar, with histidine, which is basic and polar, at codon 314 of the MEFV protein (p.Arg314His). This variant is present in population databases (rs104895204, gnomAD 0.05%). This missense change has been observed in individual(s) with clinical features of autosomal recessive familial Mediterranean fever (PMID: 30887796). ClinVar contains an entry for this variant (Variation ID: 36514). Algorithms developed to predict the effect of missense changes on protein structure and function output the following: SIFT: "Tolerated"; PolyPhen-2: "Benign"; Align-GVGD: "Class C0". The histidine amino acid residue is found in multiple mammalian species, which suggests that this missense change does not adversely affect protein function. In summary, the available evidence is currently insufficient to determine the role of this variant in disease. Therefore, it has been classified as a Variant of Uncertain Significance.

Illumina Laboratory Services, Illumina
Classification: Uncertain significance for Familial Mediterranean fever. Last evaluated: 2018-01-13. Review status: criteria provided, single submitter. Criteria: ICSL Variant Classification Criteria 13 December 2019. Collection method: clinical testing. Allele origin: germline.

Natera, Inc.
Classification: Uncertain significance for Familial Mediterranean fever. Last evaluated: 2020-01-10. Review status: no assertion criteria provided. Collection method: clinical testing. Allele origin: germline. Not counted in ClinVar's aggregate classification.

Women's Health and Genetics/Laboratory Corporation of America, LabCorp
Classification: Uncertain significance for Familial Mediterranean Fever. Last evaluated: 2015-10-02. Review status: no assertion criteria provided. Collection method: clinical testing. Allele origin: germline. Not counted in ClinVar's aggregate classification.

Unité médicale des maladies autoinflammatoires, CHRU Montpellier
No classification provided. Condition: Familial Mediterranean fever. Review status: no classification provided. Collection method: not provided. Allele origin: unknown. Not counted in ClinVar's aggregate classification.

Literature cited by the submitters: PubMed 30887796 (cited by Mayo Clinic Laboratories, Mayo Clinic and Labcorp Genetics (formerly Invitae), Labcorp).